The following is an entry in ClinVar:

NM_000229.2(LCAT):c.1192G>A (p.Gly398Arg)

Gene: LCAT (lecithin-cholesterol acyltransferase; minus strand). Cytogenetic location: 16q22.1.
Variant type: single nucleotide variant.
Coding change: c.1192G>A on transcript NM_000229.2 (MANE Select); coding-DNA position 1192, G replaced by A.
Protein change: p.Gly398Arg; replaces glycine 398 with arginine.
Molecular consequence: missense variant.
Genome position (GRCh38, 1-based): chr16:67,940,035, C>T on the plus strand (G>A on the coding strand, the complement: LCAT is on the minus strand). VCF-style: chr16-67940035-C-T. GRCh37 (hg19) VCF-style: chr16-67973938-C-T.
Other names: short protein forms G398R.
Identifiers: ClinVar variation 1447512 (VCV001447512.13), dbSNP rs772313264, ClinGen allele CA8120869.
Genomic context (GRCh38, chr16:67,940,035, plus strand): 5'-GGATGGCATTGATGTGCTCCAGGGTCAGGTTGCTGAAGACCATGTTGAGATGCTGTATCC[C>T]GTGCAGGGGCAGCAGGTGCACAGGCTGTGGCTGGCGGCCCTGCCACAGGCCACAGAGCTC-3'
Protein context (NP_000220.1, residues 388-408): PQPVHLLPLH[Gly398Arg]IQHLNMVFSN

ClinVar aggregate classification (germline): Uncertain significance. Review status: criteria provided, multiple submitters, no conflicts (2 of 4 stars). 3 submissions from 3 submitters: Uncertain significance (3). Last evaluated 2024-11-18.

Conditions:
Cardiovascular phenotype. Identifiers: MedGen CN230736.
Fish-eye disease (FED). Also called: ALPHA-LCAT DEFICIENCY; DYSLIPOPROTEINEMIC CORNEAL DYSTROPHY; LCATA DEFICIENCY. Identifiers: Orphanet 650, Orphanet 79292, MedGen C0342895, MONDO:0007620, OMIM 136120.
Norum disease. Also called: Familial lecithin cholesterol acyltransferase deficiency. Identifiers: Orphanet 79293, MedGen C0023195, MONDO:0009515, OMIM 245900.

Allele frequency attached by ClinVar (database versions not stated): ExAC 0.00002; gnomAD 0.00003 and 0.00004; gnomAD exomes 0.00003 and 0.00005; TOPMed 0.00003.
gnomAD v4.1: 82 of 1,613,410 alleles (0.0051%); highest among the groups gnomAD compares: Middle Eastern, 0.033%; 1 homozygote.

Submissions (3):

Ambry Genetics
Classification: Uncertain significance for Cardiovascular phenotype. Last evaluated: 2024-11-18. Review status: criteria provided, single submitter. Criteria: Ambry Variant Classification Scheme 2023. Collection method: clinical testing. Allele origin: germline.
Comment: The p.G398R variant (also known as c.1192G>A), located in coding exon 6 of the LCAT gene, results from a G to A substitution at nucleotide position 1192. The glycine at codon 398 is replaced by arginine, an amino acid with dissimilar properties. This amino acid position is conserved. In addition, the in silico prediction for this alteration is inconclusive. Since supporting evidence is limited at this time, the clinical significance of this alteration remains unclear.

Fulgent Genetics
Classification: Uncertain significance for Fish-eye disease; Norum disease. Last evaluated: 2024-05-21. Review status: criteria provided, single submitter. Criteria: ACMG Guidelines, 2015. Collection method: clinical testing. Allele origin: germline.

Labcorp Genetics (formerly Invitae), Labcorp
Classification: Uncertain significance. Last evaluated: 2021-08-26. Review status: criteria provided, single submitter. Criteria: Invitae Variant Classification Sherloc (09022015). Collection method: clinical testing. Allele origin: germline.
Comment: In summary, the available evidence is currently insufficient to determine the role of this variant in disease. Therefore, it has been classified as a Variant of Uncertain Significance. Algorithms developed to predict the effect of sequence changes on RNA splicing suggest that this variant may create or strengthen a splice site, but this prediction has not been confirmed by published transcriptional studies. Algorithms developed to predict the effect of missense changes on protein structure and function output the following: SIFT: "Tolerated"; PolyPhen-2: "Benign"; Align-GVGD: "Class C0". The arginine amino acid residue is found in multiple mammalian species, suggesting that this missense change does not adversely affect protein function. These predictions have not been confirmed by published functional studies and their clinical significance is uncertain. This variant has not been reported in the literature in individuals with LCAT-related conditions. This variant is present in population databases (rs772313264, ExAC 0.009%). This sequence change replaces glycine with arginine at codon 398 of the LCAT protein (p.Gly398Arg). The glycine residue is weakly conserved and there is a moderate physicochemical difference between glycine and arginine.